The following is an entry in ClinVar:

NM_001378454.1(ALMS1):c.10185A>G (p.Glu3395=)

Gene: ALMS1 (ALMS1 centrosome and basal body associated protein; plus strand). Cytogenetic location: 2p13.1.
Variant type: single nucleotide variant.
Coding change: c.10185A>G on transcript NM_001378454.1 (MANE Select); coding-DNA position 10185, A replaced by G.
Protein change: p.Glu3395=; no amino-acid change (glutamic acid 3395 retained).
Molecular consequence: synonymous variant.
Genome position (GRCh38, 1-based): chr2:73,557,326, A>G. VCF-style: chr2-73557326-A-G. GRCh37 (hg19) VCF-style: chr2-73784453-A-G.
Other names: c.10188A>G, p.Glu3396= (NM_015120.4).
Identifiers: ClinVar variation 2727606 (VCV002727606.4), dbSNP rs774219024, ClinGen allele CA1714902.

ClinVar aggregate classification (germline): Likely benign. Review status: criteria provided, multiple submitters, no conflicts (2 of 4 stars). 2 submissions from 2 submitters: Likely benign (2). Last evaluated 2025-12-11.

Conditions:
ALMS1-related disorder. Also called: ALMS1-related condition.
Alstrom syndrome (ALMS). Identifiers: Orphanet 64, MedGen C0268425, MONDO:0008763, OMIM 203800.

Allele frequency attached by ClinVar (database versions not stated): ExAC 0.00001; gnomAD exomes 0.00001.
gnomAD v4.1: 4 of 1,614,180 alleles (0.00025%); highest among the groups gnomAD compares: Non-Finnish European, 0.00025%; no homozygotes.

Submissions (2):

Labcorp Genetics (formerly Invitae), Labcorp
Classification: Likely benign for Alstrom syndrome. Last evaluated: 2025-12-11. Review status: criteria provided, single submitter. Criteria: Invitae Variant Classification Sherloc (09022015). Collection method: clinical testing. Allele origin: germline.

PreventionGenetics, part of Exact Sciences
Classification: Likely benign for ALMS1-related condition. Last evaluated: 2025-02-14. Review status: criteria provided, single submitter. Criteria: ACMG Guidelines, 2015. Collection method: clinical testing. Allele origin: germline.
Comment: This variant is classified as likely benign based on ACMG/AMP sequence variant interpretation guidelines (Richards et al. 2015 PMID: 25741868, with internal and published modifications).